The following is an entry in ClinVar:

NM_000704.3(ATP4A):c.1501-10C>G

Gene: ATP4A (ATPase H+/K+ transporting subunit alpha; minus strand). Cytogenetic location: 19q13.12.
Variant type: single nucleotide variant.
Coding change: c.1501-10C>G on transcript NM_000704.3 (MANE Select); 10 bases into the intron before coding-DNA position 1501, C replaced by G.
Molecular consequence: intron variant.
Genome position (GRCh38, 1-based): chr19:35,557,857, G>C on the plus strand (C>G on the coding strand, the complement: ATP4A is on the minus strand). VCF-style: chr19-35557857-G-C. GRCh37 (hg19) VCF-style: chr19-36048759-G-C.
Identifiers: ClinVar variation 2190292 (VCV002190292.4), dbSNP rs572627521, ClinGen allele CA9381040.

ClinVar aggregate classification (germline): Uncertain significance (1 of 4 stars; one submission).

Allele frequency attached by ClinVar (database versions not stated): TOPMed 0.00001.
gnomAD v4.1: 13 of 1,476,826 alleles (0.00088%); highest among the groups gnomAD compares: Admixed American, 0.0022%; no homozygotes.

Submission:

Labcorp Genetics (formerly Invitae), Labcorp
Classification: Uncertain significance. Last evaluated: 2022-02-18. Review status: criteria provided, single submitter. Criteria: Invitae Variant Classification Sherloc (09022015). Collection method: clinical testing. Allele origin: germline.
Comment: In summary, the available evidence is currently insufficient to determine the role of this variant in disease. Therefore, it has been classified as a Variant of Uncertain Significance. Algorithms developed to predict the effect of sequence changes on RNA splicing suggest that this variant may create or strengthen a splice site. This variant has not been reported in the literature in individuals affected with ATP4A-related conditions. This variant is not present in population databases (gnomAD no frequency). This sequence change falls in intron 10 of the ATP4A gene. It does not directly change the encoded amino acid sequence of the ATP4A protein.